The following is an entry in ClinVar:

ClinVar aggregate classification (germline): Conflicting classifications of pathogenicity. Review status: criteria provided, conflicting classifications (1 of 4 stars). 2 submissions from 2 submitters: Likely pathogenic (1); Uncertain significance (1). Last evaluated 2024-10-07.

Conditions:
Tip-toe gait. Also called: Toe walking. Identifiers: MedGen C0427144, HP:0030051.

Allele frequency attached by ClinVar (database versions not stated): TOPMed 0.00002; ExAC 0.00001; gnomAD 0.00002.
gnomAD v4.1: 10 of 1,613,736 alleles (0.00062%); highest among the groups gnomAD compares: Admixed American, 0.0067%; no homozygotes.

Submissions (2):

Practice for Gait Abnormalities, David Pomarino, Competency Network Toe Walking C/o Practice Pomarino
Classification: Likely pathogenic for Tip-toe gait. Last evaluated: 2024-10-07. Review status: criteria provided, single submitter. Criteria: Pomarino et al. (Glob Med Genet. 2023). Collection method: clinical testing. Allele origin: germline. Affected: yes.

Labcorp Genetics (formerly Invitae), Labcorp
Classification: Uncertain significance. Last evaluated: 2022-03-26. Review status: criteria provided, single submitter. Criteria: Invitae Variant Classification Sherloc (09022015). Collection method: clinical testing. Allele origin: germline.
Comment: This sequence change replaces methionine, which is neutral and non-polar, with isoleucine, which is neutral and non-polar, at codon 578 of the SBF1 protein (p.Met578Ile). In summary, the available evidence is currently insufficient to determine the role of this variant in disease. Therefore, it has been classified as a Variant of Uncertain Significance. Algorithms developed to predict the effect of missense changes on protein structure and function (SIFT, PolyPhen-2, Align-GVGD) all suggest that this variant is likely to be tolerated. This variant has not been reported in the literature in individuals affected with SBF1-related conditions. This variant is present in population databases (rs757701114, gnomAD 0.006%).

NM_002972.4(SBF1):c.1734G>T (p.Met578Ile)

Gene: SBF1 (SET binding factor 1; minus strand). Cytogenetic location: 22q13.33.
Variant type: single nucleotide variant.
Coding change: c.1734G>T on transcript NM_002972.4 (MANE Select); coding-DNA position 1734, G replaced by T.
Protein change: p.Met578Ile; replaces methionine 578 with isoleucine.
Molecular consequence: missense variant.
Genome position (GRCh38, 1-based): chr22:50,464,344, C>A on the plus strand (G>T on the coding strand, the complement: SBF1 is on the minus strand). VCF-style: chr22-50464344-C-A. GRCh37 (hg19) VCF-style: chr22-50902773-C-A.
Other names: c.1734G>T (NM_002972.3); c.1737G>T, p.Met579Ile (NM_001365819.1, NM_001410794.1); c.1734G>T, p.Met578Ile (NM_001410795.1, NM_197971.1); short protein forms M578I, M579I.
Identifiers: ClinVar variation 1959304 (VCV001959304.6), dbSNP rs757701114, ClinGen allele CA10317547.